The following is an entry in ClinVar:

NM_001211.6(BUB1B):c.2143G>A (p.Glu715Lys)

Gene: BUB1B (BUB1 mitotic checkpoint serine/threonine kinase B; plus strand). Cytogenetic location: 15q15.1.
Variant type: single nucleotide variant.
Coding change: c.2143G>A on transcript NM_001211.6 (MANE Select); coding-DNA position 2143, G replaced by A.
Protein change: p.Glu715Lys; replaces glutamic acid 715 with lysine.
Molecular consequence: missense variant.
Genome position (GRCh38, 1-based): chr15:40,208,770, G>A. VCF-style: chr15-40208770-G-A. GRCh37 (hg19) VCF-style: chr15-40500971-G-A.
Other names: short protein forms E715K.
Identifiers: ClinVar variation 945532 (VCV000945532.11), dbSNP rs2037670357, ClinGen allele CA391693972.

ClinVar aggregate classification (germline): Uncertain significance (1 of 4 stars; one submission).

Conditions:
Mosaic variegated aneuploidy syndrome 1 (MVA1). Also called: Warburton-Anyane-Yeboa syndrome. Identifiers: Orphanet 1052, MedGen C1850343, MONDO:0009759, OMIM 257300.

Submission:

Labcorp Genetics (formerly Invitae), Labcorp
Classification: Uncertain significance for Mosaic variegated aneuploidy syndrome 1. Last evaluated: 2019-06-18. Review status: criteria provided, single submitter. Criteria: Invitae Variant Classification Sherloc (09022015). Collection method: clinical testing. Allele origin: germline.
Comment: This sequence change replaces glutamic acid with lysine at codon 715 of the BUB1B protein (p.Glu715Lys). The glutamic acid residue is weakly conserved and there is a small physicochemical difference between glutamic acid and lysine. This variant also falls at the last nucleotide of exon 16 of the BUB1B coding sequence, which is part of the consensus splice site for this exon. This variant is not present in population databases (ExAC no frequency). In summary, the available evidence is currently insufficient to determine the role of this variant in disease. Therefore, it has been classified as a Variant of Uncertain Significance. Nucleotide substitutions within the consensus splice site are a relatively common cause of aberrant splicing (PMID: 17576681, 9536098). Algorithms developed to predict the effect of sequence changes on RNA splicing suggest that this variant may disrupt the consensus splice site, but this prediction has not been confirmed by published transcriptional studies. Algorithms developed to predict the effect of missense changes on protein structure and function (SIFT, PolyPhen-2, Align-GVGD) all suggest that this variant is likely to be tolerated, but these predictions have not been confirmed by published functional studies and their clinical significance is uncertain. This variant has not been reported in the literature in individuals with BUB1B-related conditions.

Literature cited by the submitters: PubMed 17576681; PubMed 9536098.